The following is an entry in ClinVar:

NM_000059.4(BRCA2):c.4133C>A (p.Thr1378Asn)

Gene: BRCA2 (BRCA2 DNA repair associated; plus strand). Cytogenetic location: 13q13.1.
Variant type: single nucleotide variant.
Coding change: c.4133C>A on transcript NM_000059.4 (MANE Select); coding-DNA position 4133, C replaced by A.
Protein change: p.Thr1378Asn; replaces threonine 1378 with asparagine.
Molecular consequence: missense variant.
Genome position (GRCh38, 1-based): chr13:32,338,488, C>A. VCF-style: chr13-32338488-C-A. GRCh37 (hg19) VCF-style: chr13-32912625-C-A.
Other names: short protein forms T1378N.
Identifiers: ClinVar variation 462325 (VCV000462325.15), dbSNP rs945880747, ClinGen allele CA247506544.

ClinVar aggregate classification (germline): Conflicting classifications of pathogenicity. Review status: criteria provided, conflicting classifications (1 of 4 stars). 3 submissions from 3 submitters: Uncertain significance (2); Likely benign (1). Last evaluated 2024-12-22.

Conditions:
Hereditary breast ovarian cancer syndrome. Also called: Hereditary breast and ovarian cancer syndrome (HBOC); Hereditary breast and ovarian cancer syndrome; Breast and ovarian cancer; Hereditary breast and/or ovarian cancer syndrome; Hereditary breast and ovarian cancer; BRCA1- and BRCA2-Associated Hereditary Breast and Ovarian Cancer. Identifiers: Orphanet 145, MedGen C0677776, MeSH D061325, MONDO:0003582. Disease mechanism: loss of function.
Hereditary cancer-predisposing syndrome. Also called: Neoplastic Syndromes, Hereditary; Hereditary Cancer Syndrome; Hereditary neoplastic syndrome; Tumor predisposition. Identifiers: Orphanet 140162, MedGen C0027672, MeSH D009386, MONDO:0015356.

Allele frequency attached by ClinVar (database versions not stated): TOPMed below 0.00001.

Submissions (3):

Ambry Genetics
Classification: Uncertain significance for Hereditary cancer-predisposing syndrome. Last evaluated: 2024-12-22. Review status: criteria provided, single submitter. Criteria: Ambry Variant Classification Scheme 2023. Collection method: clinical testing. Allele origin: germline.
Comment: The p.T1378N variant (also known as c.4133C>A), located in coding exon 10 of the BRCA2 gene, results from a C to A substitution at nucleotide position 4133. The threonine at codon 1378 is replaced by asparagine, an amino acid with similar properties. This amino acid position is not well conserved in available vertebrate species. In addition, this alteration is predicted to be tolerated by in silico analysis. Since supporting evidence is limited at this time, the clinical significance of this alteration remains unclear.

University of Washington Department of Laboratory Medicine, University of Washington
Classification: Likely benign for Hereditary cancer-predisposing syndrome. Last evaluated: 2023-03-23. Review status: criteria provided, single submitter. Criteria: Dines et al. (Genet Med. 2020). Collection method: curation. Allele origin: germline.
Comment: Missense variant in a coldspot region where missense variants are very unlikely to be pathogenic (PMID:31911673).

BRCA2 exon 11 coldspot. Reclassification based on statistical prior probability.

Labcorp Genetics (formerly Invitae), Labcorp
Classification: Uncertain significance for Hereditary breast ovarian cancer syndrome. Last evaluated: 2021-06-15. Review status: criteria provided, single submitter. Criteria: Invitae Variant Classification Sherloc (09022015). Collection method: clinical testing. Allele origin: germline.
Comment: In summary, the available evidence is currently insufficient to determine the role of this variant in disease. Therefore, it has been classified as a Variant of Uncertain Significance. Advanced modeling of protein sequence and biophysical properties (such as structural, functional, and spatial information, amino acid conservation, physicochemical variation, residue mobility, and thermodynamic stability) performed at Invitae indicates that this missense variant is not expected to disrupt BRCA2 protein function. This variant has not been reported in the literature in individuals with BRCA2-related conditions. ClinVar contains an entry for this variant (Variation ID: 462325). This variant is not present in population databases (ExAC no frequency). This sequence change replaces threonine with asparagine at codon 1378 of the BRCA2 protein (p.Thr1378Asn). The threonine residue is weakly conserved and there is a small physicochemical difference between threonine and asparagine.